The following is an entry in ClinVar:

NM_000540.3(RYR1):c.178G>T (p.Asp60Tyr)

Gene: RYR1 (ryanodine receptor 1; plus strand). Cytogenetic location: 19q13.2.
Variant type: single nucleotide variant.
Coding change: c.178G>T on transcript NM_000540.3 (MANE Select); coding-DNA position 178, G replaced by T.
Protein change: p.Asp60Tyr; replaces aspartic acid 60 with tyrosine.
Molecular consequence: missense variant.
Genome position (GRCh38, 1-based): chr19:38,442,361, G>T. VCF-style: chr19-38442361-G-T. GRCh37 (hg19) VCF-style: chr19-38933001-G-T.
Other names: NM_000540.2(RYR1):c.178G>T; p.Asp60Tyr; NM_001042723.2:c.178G>T; c.178G>T, p.Asp60Tyr (NM_001042723.2); short protein forms D60Y.
Identifiers: ClinVar variation 1214005 (VCV001214005.6), dbSNP rs118192160, ClinGen allele CA405673698.

ClinVar aggregate classification (germline): Uncertain significance. Review status: reviewed by expert panel (3 of 4 stars). 2 submissions from 2 submitters: Uncertain significance (1). 1 of the submissions does not count toward it. Last evaluated 2025-08-01.

Conditions:
Malignant hyperthermia, susceptibility to, 1 (MHS1). Also called: RYR1-Related Malignant Hyperthermia Susceptibility; Anesthesia related hyperthermia; Malignant hyperpyrexia; Fulminating hyperpyrexia; Pharmacogenic myopathy; Malignant hyperthermia suceptibility 1. Identifiers: Orphanet 423, MedGen C2930980, MONDO:0007783, OMIM 145600.

Submissions (2):

ClinGen Malignant Hyperthermia Susceptibility Variant Curation Expert Panel, ClinGen
Classification: Uncertain significance for Malignant hyperthermia, susceptibility to, 1. Last evaluated: 2025-08-01. Review status: reviewed by expert panel. Criteria: ClinGen MHS ACMG Specifications V2. Collection method: curation. Allele origin: germline. Inheritance: Autosomal dominant inheritance. Study: ClinGen.
Comment: This pathogenicity assessment is relevant only for malignant hyperthermia susceptibility (MHS) inherited in an autosomal dominant pattern. Variants in RYR1 can also cause other myopathies inherited in an autosomal dominant pattern or in an autosomal recessive pattern. Some of these disorders may predispose individuals to malignant hyperthermia. RYR1 variants may also contribute to a malignant hyperthermia reaction in combination with other genetic and non-genetic factors and the clinician needs to consider such factors in making management decisions. This sequence variant predicts a substitution of aspartic acid with tyrosine at codon 60 of the RYR1 protein p.(Asp60Tyr). This variant was not present in a large population database (gnomAD). This variant has been reported in an individual with a personal history of an MH episode and a positive in vitro contracture test (IVCT) result, PS4_Supporting (PMID:24433488). No functional studies were identified for this variant. This variant resides in a region of RYR1 considered to be a hotspot for pathogenic variants that contribute to MHS, PM1. A REVEL score >0.85 (0.961) supports a pathogenic status for this variant, PP3_Moderate. This variant has been classified as a Variant of Unknown Significance. Criteria implemented: PS4_Supporting, PM1, PP3_Moderate.

Institute of Human Genetics, University of Leipzig Medical Center
Classification: Uncertain significance for Malignant hyperthermia, susceptibility to, 1. Last evaluated: 2024-10-14. Review status: criteria provided, single submitter. Criteria: ACMG Guidelines, 2015. Collection method: clinical testing. Allele origin: unknown. Inheritance: Autosomal dominant inheritance. Affected: yes. Not counted in ClinVar's aggregate classification.
Comment: Criteria applied: PS4_SUP,PM1,PP3_MOD